The following is an entry in ClinVar:

NM_020639.3(RIPK4):c.7G>A (p.Gly3Ser)

Gene: RIPK4 (receptor interacting serine/threonine kinase 4; minus strand). Cytogenetic location: 21q22.3.
Variant type: single nucleotide variant.
Coding change: c.7G>A on transcript NM_020639.3 (MANE Select); coding-DNA position 7, G replaced by A.
Protein change: p.Gly3Ser; replaces glycine 3 with serine.
Molecular consequence: missense variant.
Genome position (GRCh38, 1-based): chr21:41,767,035, C>T on the plus strand (G>A on the coding strand, the complement: RIPK4 is on the minus strand). VCF-style: chr21-41767035-C-T. GRCh37 (hg19) VCF-style: chr21-43187195-C-T.
Other names: short protein forms G3S.
Identifiers: ClinVar variation 340038 (VCV000340038.15), dbSNP rs199825512, ClinGen allele CA10035873.

ClinVar aggregate classification (germline): Benign/Likely benign. Review status: criteria provided, multiple submitters, no conflicts (2 of 4 stars). 4 submissions from 4 submitters: Benign (2); Likely benign (2). Last evaluated 2025-04-30.

Conditions:
Bartsocas-Papas syndrome 1. Also called: PTERYGIUM, POPLITEAL, LETHAL TYPE; Bartsocas-Papas syndrome; MULTIPLE PTERYGIUM SYNDROME, ASLAN TYPE. Identifiers: Orphanet 1234, MedGen C1849718, MONDO:0009901, OMIM 263650.

Allele frequency attached by ClinVar (database versions not stated): gnomAD 0.01162 and 0.01084; TOPMed 0.01179; gnomAD exomes 0.00112 and 0.00205; ExAC 0.00384; ESP Exome Variant Server 0.01029; 1000 Genomes Project 0.01058; 1000 Genomes Project 30x 0.01109.
gnomAD v4.1: 3,342 of 1,573,138 alleles (0.21%); highest among the groups gnomAD compares: African/African-American, 3.6%; 46 homozygotes.

Submissions (4):

GeneDx
Classification: Likely benign. Last evaluated: 2025-04-30. Review status: criteria provided, single submitter. Criteria: GeneDx Variant Classification Process June 2021. Collection method: clinical testing. Allele origin: germline. Affected: yes.
Comment: See Variant Classification Assertion Criteria.

Labcorp Genetics (formerly Invitae), Labcorp
Classification: Benign. Last evaluated: 2019-12-31. Review status: criteria provided, single submitter. Criteria: Invitae Variant Classification Sherloc (09022015). Collection method: clinical testing. Allele origin: germline.

Illumina Laboratory Services, Illumina
Classification: Benign for Bartsocas-Papas syndrome 1. Last evaluated: 2018-01-13. Review status: criteria provided, single submitter. Criteria: ICSL Variant Classification Criteria 13 December 2019. Collection method: clinical testing. Allele origin: germline.
Comment: This variant was observed in the ICSL laboratory as part of a predisposition screen in an ostensibly healthy population. It had not been previously curated by ICSL or reported in the Human Gene Mutation Database (HGMD: prior to June 1st, 2018), and was therefore a candidate for classification through an automated scoring system. Utilizing variant allele frequency, disease prevalence and penetrance estimates, and inheritance mode, an automated score was calculated to assess if this variant is too frequent to cause the disease. Based on the score and internal cut-off values, a variant classified as benign is not then subjected to further curation. The score for this variant resulted in a classification of benign for this disease.

Breakthrough Genomics
Classification: Likely benign. Review status: criteria provided, single submitter. Criteria: ACMG Guidelines, 2015. Collection method: not provided. Allele origin: germline. Inheritance: Autosomal recessive inheritance. Affected: yes.